The following is an entry in ClinVar:

ClinVar aggregate classification (germline): Likely benign (0 of 4 stars; one submission).

Conditions:
REV3L-related disorder. Also called: REV3L-related condition.

Allele frequency attached by ClinVar (database versions not stated): gnomAD exomes 0.00004; ExAC 0.00007; ESP Exome Variant Server 0.00015; 1000 Genomes Project 30x 0.00016; 1000 Genomes Project 0.00020; TOPMed 0.00023; gnomAD 0.00025.
gnomAD v4.1: 103 of 1,601,538 alleles (0.0064%); highest among the groups gnomAD compares: African/African-American, 0.1%; no homozygotes.

Submission:

PreventionGenetics, part of Exact Sciences
Classification: Likely benign for REV3L-related condition. Last evaluated: 2019-09-17. Review status: no assertion criteria provided. Collection method: clinical testing. Allele origin: germline.
Comment: This variant is classified as likely benign based on ACMG/AMP sequence variant interpretation guidelines (Richards et al. 2015 PMID: 25741868, with internal and published modifications).

NM_001372078.1(REV3L):c.579T>C (p.His193=)

Gene: REV3L (REV3 like, DNA directed polymerase zeta catalytic subunit; minus strand). Cytogenetic location: 6q21.
Variant type: single nucleotide variant.
Coding change: c.579T>C on transcript NM_001372078.1 (MANE Select); coding-DNA position 579, T replaced by C.
Protein change: p.His193=; no amino-acid change (histidine 193 retained).
Molecular consequence: synonymous variant.
Genome position (GRCh38, 1-based): chr6:111,392,959, A>G on the plus strand (T>C on the coding strand, the complement: REV3L is on the minus strand). VCF-style: chr6-111392959-A-G. GRCh37 (hg19) VCF-style: chr6-111714162-A-G.
Other names: c.345T>C, p.His115= (NM_001286431.2, NM_001286432.2); c.579T>C, p.His193= (NM_002912.5).
Identifiers: ClinVar variation 3040341 (VCV003040341.2), dbSNP rs145891675, ClinGen allele CA3962807.